The following is an entry in ClinVar:

NM_000540.3(RYR1):c.6349G>C (p.Val2117Leu)

Gene: RYR1 (ryanodine receptor 1; plus strand). Cytogenetic location: 19q13.2.
Variant type: single nucleotide variant.
Coding change: c.6349G>C on transcript NM_000540.3 (MANE Select); coding-DNA position 6349, G replaced by C.
Protein change: p.Val2117Leu; replaces valine 2117 with leucine.
Molecular consequence: missense variant.
Genome position (GRCh38, 1-based): chr19:38,494,426, G>C. VCF-style: chr19-38494426-G-C. GRCh37 (hg19) VCF-style: chr19-38985066-G-C.
Other names: c.6349G>C (NM_000540.2); c.6349G>C, p.Val2117Leu (NM_001042723.2); short protein forms V2117L.
Identifiers: ClinVar variation 133156 (VCV000133156.14), dbSNP rs193922788, ClinGen allele CA024566.

ClinVar aggregate classification (germline): Likely pathogenic. Review status: reviewed by expert panel (3 of 4 stars). 5 submissions from 5 submitters: Likely pathogenic (1). 4 of the submissions do not count toward it. Last evaluated 2025-08-01.

Conditions:
RYR1-related disorder. Also called: RYR1-related disorders; RYR1-related condition. Identifiers: MedGen CN239331.
Malignant hyperthermia of anesthesia. Also called: Anesthesic-triggered malignant hyperthermia. Identifiers: Orphanet 423, MedGen C0024591, MONDO:0018493, HP:0034733.
Malignant hyperthermia, susceptibility to, 1 (MHS1). Also called: RYR1-Related Malignant Hyperthermia Susceptibility; Malignant hyperthermia suceptibility 1; Anesthesia related hyperthermia; Malignant hyperpyrexia; Fulminating hyperpyrexia; Pharmacogenic myopathy. Identifiers: Orphanet 423, MedGen C2930980, MONDO:0007783, OMIM 145600.

Allele frequency attached by ClinVar (database versions not stated): gnomAD exomes below 0.00001; ExAC 0.00001; TOPMed 0.00001.
gnomAD v4.1: 2 of 1,612,230 alleles (0.00012%); highest among the groups gnomAD compares: Non-Finnish European, 0.00017%; no homozygotes.

Submissions (5):

ClinGen Malignant Hyperthermia Susceptibility Variant Curation Expert Panel, ClinGen
Classification: Likely pathogenic for Malignant hyperthermia, susceptibility to, 1. Last evaluated: 2025-08-01. Review status: reviewed by expert panel. Criteria: ClinGen MHS ACMG Specifications V2. Collection method: curation. Allele origin: germline. Inheritance: Autosomal dominant inheritance.
Comment: This pathogenicity assessment is relevant only for malignant hyperthermia susceptibility (MHS) inherited in an autosomal dominant pattern. Variants in RYR1 can also cause other myopathies inherited in an autosomal dominant pattern or in an autosomal recessive pattern. Some of these disorders may predispose individuals to malignant hyperthermia. RYR1 variants may also contribute to a malignant hyperthermia reaction in combination with other genetic and non-genetic factors and the clinician needs to consider such factors in making management decisions. This sequence variant predicts a substitution of valine with leucine at codon 2117 of the RYR1 protein, p.Val2117Leu. The maximum allele frequency for this variant among the six major gnomAD populations is NFE: MA0.000009, a frequency consistent with pathogenicity for MHS. This variant has been reported in an individual with a personal or family history of an MH episode and a positive in vitro contracture test (IVCT) or caffeine halothane contracture test (CHCT) result (if the proband was unavailable for testing, a positive diagnostic test result in a mutation-positive relative was counted) (PMID:12709367). An additional individual with a personal history of an MH reaction and a positive CHCT test has been identified through clinical testing at the MH Investigation Unit (MHIU), UHM, Toronto, PS4_Moderate. No functional studies were identified for this variant. This variant resides in a region of RYR1 considered to be a hotspot for pathogenic variants that contribute to MHS, PM1 (PMID: 21118704). A REVEL score >0.85 (0.923) supports a pathogenic status for this variant, PP3_Moderate. This variant has been classified as a Likely Pathogenic. Criteria implemented: PS4_Moderate, PM1, PP3_Moderate.

Women's Health and Genetics/Laboratory Corporation of America, LabCorp
Classification: Likely pathogenic for Malignant hyperthermia of anesthesia. Last evaluated: 2025-12-04. Review status: criteria provided, single submitter. Criteria: LabCorp Variant Classification Summary - May 2015. Collection method: clinical testing. Allele origin: germline. Not counted in ClinVar's aggregate classification.
Comment: Variant summary: RYR1 c.6349G>C (p.Val2117Leu) results in a conservative amino acid change in the encoded protein sequence. Algorithms developed to predict the effect of missense changes on protein structure and function are either unavailable or do not agree on the potential impact of this missense change. The variant allele was found at a frequency of 4e-06 in 249936 control chromosomes (gnomAD). c.6349G>C has been observed in heterozygous individuals affected with Malignant Hyperthermia Susceptibility or with features of congenital myopahy (e.g. Tammaro_2003, Dosi_2023). These data indicate that the variant is likely to be associated with disease. To our knowledge, no experimental evidence demonstrating an impact on protein function has been reported. The following publications have been ascertained in the context of this evaluation (PMID: 12709367, 36833224). ClinVar contains an entry for this variant (Variation ID: 133156). Based on the evidence outlined above, the variant was classified as likely pathogenic.

GeneDx
Classification: Likely pathogenic. Last evaluated: 2025-04-09. Review status: criteria provided, single submitter. Criteria: GeneDx Variant Classification Process June 2021. Collection method: clinical testing. Allele origin: germline. Affected: yes. Not counted in ClinVar's aggregate classification.
Comment: In silico analysis supports that this missense variant has a deleterious effect on protein structure/function; Not observed at significant frequency in large population cohorts (gnomAD); This variant is associated with the following publications: (PMID: 16917943, 20681998, 12709367, 12668474, 33767344, 36833224)

Labcorp Genetics (formerly Invitae), Labcorp
Classification: Likely pathogenic for RYR1-related disorder. Last evaluated: 2022-11-29. Review status: criteria provided, single submitter. Criteria: Invitae Variant Classification Sherloc (09022015). Collection method: clinical testing. Allele origin: germline. Not counted in ClinVar's aggregate classification.
Comment: In summary, the currently available evidence indicates that the variant is pathogenic, but additional data are needed to prove that conclusively. Therefore, this variant has been classified as Likely Pathogenic. Advanced modeling of protein sequence and biophysical properties (such as structural, functional, and spatial information, amino acid conservation, physicochemical variation, residue mobility, and thermodynamic stability) performed at Invitae indicates that this missense variant is expected to disrupt RYR1 protein function. ClinVar contains an entry for this variant (Variation ID: 133156). This missense change has been observed in individuals with malignant hyperthermia and malignant hyperthermia susceptibility (PMID: 12709367). It has also been observed to segregate with disease in related individuals. This variant is present in population databases (rs193922788, gnomAD 0.0009%). This sequence change replaces valine, which is neutral and non-polar, with leucine, which is neutral and non-polar, at codon 2117 of the RYR1 protein (p.Val2117Leu).

RYR1 database
No classification provided. Review status: no classification provided. Collection method: not provided. Allele origin: unknown. Not counted in ClinVar's aggregate classification.

Literature cited by the submitters: PubMed 12709367 (cited by Women's Health and Genetics/Laboratory Corporation of America, LabCorp and Labcorp Genetics (formerly Invitae), Labcorp); PubMed 36833224 (cited by Women's Health and Genetics/Laboratory Corporation of America, LabCorp).